The following is an entry in ClinVar:

NM_016247.4(IMPG2):c.1543G>T (p.Gly515Ter)

Gene: IMPG2 (interphotoreceptor matrix proteoglycan 2; minus strand). Cytogenetic location: 3q12.3.
Variant type: single nucleotide variant.
Coding change: c.1543G>T on transcript NM_016247.4 (MANE Select); coding-DNA position 1543, G replaced by T.
Protein change: p.Gly515Ter; replaces glycine 515 with a stop codon.
Molecular consequence: nonsense.
Genome position (GRCh38, 1-based): chr3:101,245,802, C>A on the plus strand (G>T on the coding strand, the complement: IMPG2 is on the minus strand). VCF-style: chr3-101245802-C-A. GRCh37 (hg19) VCF-style: chr3-100964646-C-A.
Other names: short protein forms G515*.
Identifiers: ClinVar variation 2035063 (VCV002035063.4), dbSNP rs2508947210, ClinGen allele CA353861825.

ClinVar aggregate classification (germline): Pathogenic (1 of 4 stars; one submission).

Submission:

Labcorp Genetics (formerly Invitae), Labcorp
Classification: Pathogenic. Last evaluated: 2022-10-10. Review status: criteria provided, single submitter. Criteria: Invitae Variant Classification Sherloc (09022015). Collection method: clinical testing. Allele origin: germline.
Comment: This sequence change creates a premature translational stop signal (p.Gly515*) in the IMPG2 gene. It is expected to result in an absent or disrupted protein product. Loss-of-function variants in IMPG2 are known to be pathogenic (PMID: 20673862). This variant is not present in population databases (gnomAD no frequency). This variant has not been reported in the literature in individuals affected with IMPG2-related conditions. Algorithms developed to predict the effect of sequence changes on RNA splicing suggest that this variant may disrupt the consensus splice site. For these reasons, this variant has been classified as Pathogenic.

Literature cited by the submitters: PubMed 20673862.